The following is an entry in ClinVar:

ClinVar aggregate classification (germline): Likely benign. Review status: criteria provided, single submitter (1 of 4 stars). 2 submissions from 2 submitters: Likely benign (1). 1 of the submissions does not count toward it. Last evaluated 2025-04-13.

Conditions:
POLE-related disorder. Also called: POLE-related disorders; POLE-related condition.

Allele frequency attached by ClinVar (database versions not stated): gnomAD exomes below 0.00001.
gnomAD v4.1: 2 of 1,613,930 alleles (0.00012%); highest among the groups gnomAD compares: Non-Finnish European, 0.00017%; no homozygotes.

Submissions (2):

Labcorp Genetics (formerly Invitae), Labcorp
Classification: Likely benign. Last evaluated: 2025-04-13. Review status: criteria provided, single submitter. Criteria: Invitae Variant Classification Sherloc (09022015). Collection method: clinical testing. Allele origin: germline.

PreventionGenetics, part of Exact Sciences
Classification: Likely benign for POLE-related condition. Last evaluated: 2022-08-29. Review status: no assertion criteria provided. Collection method: clinical testing. Allele origin: germline. Not counted in ClinVar's aggregate classification.
Comment: This variant is classified as likely benign based on ACMG/AMP sequence variant interpretation guidelines (Richards et al. 2015 PMID: 25741868, with internal and published modifications).

NM_006231.4(POLE):c.2174-6G>A

Gene: POLE (DNA polymerase epsilon, catalytic subunit; minus strand). Cytogenetic location: 12q24.33.
Variant type: single nucleotide variant.
Coding change: c.2174-6G>A on transcript NM_006231.4 (MANE Select); 6 bases into the intron before coding-DNA position 2174, G replaced by A.
Molecular consequence: intron variant.
Genome position (GRCh38, 1-based): chr12:132,667,654, C>T on the plus strand (G>A on the coding strand, the complement: POLE is on the minus strand). VCF-style: chr12-132667654-C-T. GRCh37 (hg19) VCF-style: chr12-133244240-C-T.
Identifiers: ClinVar variation 700518 (VCV000700518.12), dbSNP rs1593790359, ClinGen allele CA915946745.